The following is an entry in ClinVar:

NM_000133.4(F9):c.1303T>G (p.Cys435Gly)

Gene: F9 (coagulation factor IX; plus strand). Cytogenetic location: Xq27.1.
Variant type: single nucleotide variant.
Coding change: c.1303T>G on transcript NM_000133.4 (MANE Select); coding-DNA position 1303, T replaced by G.
Protein change: p.Cys435Gly; replaces cysteine 435 with glycine.
Molecular consequence: missense variant.
Genome position (GRCh38, 1-based): chrX:139,561,988, T>G. VCF-style: chrX-139561988-T-G. GRCh37 (hg19) VCF-style: chrX-138644147-T-G.
Other names: NM_001313913.2:c.1189T>G; c.1189T>G, p.Cys397Gly (NM_001313913.2); short protein forms C397G, C435G.
Identifiers: ClinVar variation 3242385 (VCV003242385.1), dbSNP rs2520848336.
Genomic context (GRCh38, chrX:139,561,988, plus strand): 5'-CATGTTACTGAAGTGGAAGGGACCAGTTTCTTAACTGGAATTATTAGCTGGGGTGAAGAG[T>G]GTGCAATGAAAGGCAAATATGGAATATATACCAAGGTATCCCGGTATGTCAACTGGATTA-3'
Protein context (NP_000124.1, residues 425-445): LTGIISWGEE[Cys435Gly]AMKGKYGIYT

ClinVar aggregate classification (germline): Likely pathogenic (3 of 4 stars; one submission).

Conditions:
Hereditary factor IX deficiency disease (HEMB). Also called: F9 DEFICIENCY; FACTOR IX DEFICIENCY; PLASMA THROMBOPLASTIN COMPONENT DEFICIENCY; Hemophilia B; Christmas Disease. Identifiers: Orphanet 98879, MedGen C0008533, MeSH D002836, MONDO:0010604, OMIM 306900.

Submission:

ClinGen Coagulation Factor Deficiency Variant Curation Expert Panel, Clingen
Classification: Likely pathogenic for Hereditary factor IX deficiency disease. Last evaluated: 2024-05-09. Review status: reviewed by expert panel. Criteria: ClinGen CoagFactor ACMG Specifications F9 V1.0.0. Collection method: curation. Allele origin: germline. Inheritance: X-linked inheritance.
Comment: The F9 c.1303T>G; p.Cys435Gly variant is completely absent from gnomAD v2.1.1 and v3.1.1. This missense variant has a REVEL score of 0.964 and meets PP3 criteria (threshold >0.6). One proband is reported in the literature with moderate hemophilia B and this variant and a second proband was reported with severe hemophilia B, meeting F9 phenotype criteria for PS4_Moderate. Cys35Tyr is another pathogenic variant at the same residue (PM5). In summary, this variant meets criteria to be classified as likely pathogenic. ACMG/AMP criteria applied, as specified by the Coagulation Factor Deficiency Variant Curation Expert Panel for F9: PS4_Moderate, PM5, PP3, PM2_Supporting.